The following is an entry in ClinVar:

NM_004320.6(ATP2A1):c.1606C>T (p.Pro536Ser)

Gene: ATP2A1 (ATPase sarcoplasmic/endoplasmic reticulum Ca2+ transporting 1; plus strand). Cytogenetic location: 16p11.2.
Variant type: single nucleotide variant.
Coding change: c.1606C>T on transcript NM_004320.6 (MANE Select); coding-DNA position 1606, C replaced by T.
Protein change: p.Pro536Ser; replaces proline 536 with serine.
Molecular consequence: missense variant.
Genome position (GRCh38, 1-based): chr16:28,898,293, C>T. VCF-style: chr16-28898293-C-T. GRCh37 (hg19) VCF-style: chr16-28909614-C-T.
Other names: c.1231C>T, p.Pro411Ser (NM_001286075.2); c.1606C>T, p.Pro536Ser (NM_173201.5); c.1606C>T (NM_173201.3); short protein forms P411S, P536S.
Identifiers: ClinVar variation 1052450 (VCV001052450.11), dbSNP rs200872921, ClinGen allele CA279238519.

ClinVar aggregate classification (germline): Uncertain significance. Review status: criteria provided, multiple submitters, no conflicts (2 of 4 stars). 2 submissions from 2 submitters: Uncertain significance (2). Last evaluated 2025-08-15.

Conditions:
Brody myopathy. Also called: BRODY DISEASE. Identifiers: Orphanet 53347, MedGen C1832918, MONDO:0010977, OMIM 601003.

Allele frequency attached by ClinVar (database versions not stated): gnomAD 0.00001; gnomAD exomes 0.00001; TOPMed 0.00001.
gnomAD v4.1: 19 of 1,614,084 alleles (0.0012%); highest among the groups gnomAD compares: South Asian, 0.019%; no homozygotes.

Submissions (2):

Labcorp Genetics (formerly Invitae), Labcorp
Classification: Uncertain significance for Brody myopathy. Last evaluated: 2025-08-15. Review status: criteria provided, single submitter. Criteria: Invitae Variant Classification Sherloc (09022015). Collection method: clinical testing. Allele origin: germline.
Comment: This sequence change replaces proline, which is neutral and non-polar, with serine, which is neutral and polar, at codon 536 of the ATP2A1 protein (p.Pro536Ser). This variant is present in population databases (rs200872921, gnomAD 0.007%). This variant has not been reported in the literature in individuals affected with ATP2A1-related conditions. ClinVar contains an entry for this variant (Variation ID: 1052450). An algorithm developed to predict the effect of missense changes on protein structure and function (PolyPhen-2) suggests that this variant is likely to be tolerated. In summary, the available evidence is currently insufficient to determine the role of this variant in disease. Therefore, it has been classified as a Variant of Uncertain Significance.

Revvity Omics, Revvity
Classification: Uncertain significance for Brody myopathy. Last evaluated: 2019-10-21. Review status: criteria provided, single submitter. Criteria: ACMG Guidelines, 2015. Collection method: clinical testing. Allele origin: germline.